The following is an entry in ClinVar:

NM_001040108.2(MLH3):c.3997del (p.Arg1333fs)

Gene: MLH3 (mutL homolog 3; minus strand). Cytogenetic location: 14q24.3.
Variant type: Deletion.
Coding change: c.3997del on transcript NM_001040108.2 (MANE Select); coding-DNA position 3997, one base deleted (C; older notation c.3997delC).
Protein change: p.Arg1333fs; shifts the reading frame from arginine 1333.
Molecular consequence: frameshift variant.
Genome position (GRCh38, 1-based): chr14:75,023,009, G deleted on the plus strand (C on the coding strand, the reverse complement: MLH3 is on the minus strand); the first of 2 consecutive G bases (chr14:75,023,009-75,023,010); deleting either gives the same sequence. VCF-style (leftmost placement, unchanged base first): chr14-75023008-CG-C. GRCh37 (hg19) VCF-style: chr14-75489711-CG-C.
Other names: c.3925del, p.Arg1309fs (NM_014381.3); c.3997delC (NM_001040108.1); short protein forms R1333fs, R1309fs.
Identifiers: ClinVar variation 2047439 (VCV002047439.5), dbSNP rs1472605252, ClinGen allele CA708525531.

ClinVar aggregate classification (germline): Uncertain significance. Review status: criteria provided, multiple submitters, no conflicts (2 of 4 stars). 2 submissions from 2 submitters: Uncertain significance (2). Last evaluated 2026-04-28.

Conditions:
Colorectal cancer, hereditary nonpolyposis, type 7. Identifiers: Orphanet 144, MedGen C1858380, MONDO:0013725, OMIM 614385.

Submissions (2):

Ambry Genetics
Classification: Uncertain significance. Last evaluated: 2026-04-28. Review status: criteria provided, single submitter. Criteria: Ambry Variant Classification Scheme 2023. Collection method: clinical testing. Allele origin: germline.
Comment: The c.3997delC variant, located in coding exon 9 of the MLH3 gene, results from a deletion of one nucleotide at nucleotide position 3997, causing a translational frameshift with a predicted alternate stop codon (p.R1333Efs*19). Based on the available evidence, the clinical significance of this variant remains unclear.

Labcorp Genetics (formerly Invitae), Labcorp
Classification: Uncertain significance for Colorectal cancer, hereditary nonpolyposis, type 7. Last evaluated: 2022-08-12. Review status: criteria provided, single submitter. Criteria: Invitae Variant Classification Sherloc (09022015). Collection method: clinical testing. Allele origin: germline.
Comment: In summary, the available evidence is currently insufficient to determine the role of this variant in disease. Therefore, it has been classified as a Variant of Uncertain Significance. Experimental studies and prediction algorithms are not available or were not evaluated, and the functional significance of this variant is currently unknown. This variant has not been reported in the literature in individuals affected with MLH3-related conditions. This variant is not present in population databases (gnomAD no frequency). This sequence change creates a premature translational stop signal (p.Arg1333Glufs*19) in the MLH3 gene. It is expected to result in an absent or disrupted protein product. However, the current clinical and genetic evidence is not sufficient to establish whether loss-of-function variants in MLH3 cause disease.